The following is an entry in ClinVar:

NM_001569.4(IRAK1):c.1098C>T (p.Arg366=)

Gene: IRAK1 (interleukin 1 receptor associated kinase 1; minus strand). Cytogenetic location: Xq28.
Variant type: single nucleotide variant.
Coding change: c.1098C>T on transcript NM_001569.4 (MANE Select); coding-DNA position 1098, C replaced by T.
Protein change: p.Arg366=; no amino-acid change (arginine 366 retained).
Molecular consequence: synonymous variant.
Genome position (GRCh38, 1-based): chrX:154,016,575, G>A on the plus strand (C>T on the coding strand, the complement: IRAK1 is on the minus strand). VCF-style: chrX-154016575-G-A. GRCh37 (hg19) VCF-style: chrX-153282026-G-A.
Other names: c.1098C>T, p.Arg366= (NM_001025242.2, NM_001025243.2); c.1176C>T, p.Arg392= (NM_001410701.1).
Identifiers: ClinVar variation 3040466 (VCV003040466.2), dbSNP rs149520139, ClinGen allele CA10558187.

ClinVar aggregate classification (germline): Likely benign (0 of 4 stars; one submission).

Conditions:
IRAK1-related disorder. Also called: IRAK1-related condition.

Allele frequency attached by ClinVar (database versions not stated): gnomAD exomes 0.00005; ExAC 0.00016; gnomAD 0.00064; TOPMed 0.00071; ESP Exome Variant Server 0.00076.
gnomAD v4.1: 130 of 1,211,271 alleles (0.011%); highest among the groups gnomAD compares: African/African-American, 0.21%; no homozygotes.

Submission:

PreventionGenetics, part of Exact Sciences
Classification: Likely benign for IRAK1-related condition. Last evaluated: 2019-09-11. Review status: no assertion criteria provided. Collection method: clinical testing. Allele origin: germline.
Comment: This variant is classified as likely benign based on ACMG/AMP sequence variant interpretation guidelines (Richards et al. 2015 PMID: 25741868, with internal and published modifications).